The following is an entry in ClinVar:

ClinVar aggregate classification (germline): Likely benign. Review status: criteria provided, multiple submitters, no conflicts (2 of 4 stars). 4 submissions from 4 submitters: Likely benign (4). Last evaluated 2026-01-26.

Conditions:
Long QT syndrome (LQTS). Identifiers: MedGen C0023976, MeSH D008133, MONDO:0002442. Disease mechanism: loss of function. Inheritance: Various modes of inheritance.
Cardiac arrhythmia. Also called: Arrhythmia; Cardiac rhythm disease. Identifiers: MedGen C0003811, MONDO:0007263, HP:0011675.
Cardiovascular phenotype. Identifiers: MedGen CN230736.

Allele frequency attached by ClinVar (database versions not stated): ExAC 0.00001; gnomAD 0.00001; gnomAD exomes 0.00001; TOPMed 0.00001.
gnomAD v4.1: 22 of 1,613,232 alleles (0.0014%); highest among the groups gnomAD compares: South Asian, 0.0033%; no homozygotes.

Submissions (4):

Labcorp Genetics (formerly Invitae), Labcorp
Classification: Likely benign for Long QT syndrome. Last evaluated: 2026-01-26. Review status: criteria provided, single submitter. Criteria: Invitae Variant Classification Sherloc (09022015). Collection method: clinical testing. Allele origin: germline.

Ambry Genetics
Classification: Likely benign for Cardiovascular phenotype. Last evaluated: 2025-01-10. Review status: criteria provided, single submitter. Criteria: Ambry Variant Classification Scheme 2023. Collection method: clinical testing. Allele origin: germline.

All of Us Research Program, National Institutes of Health
Classification: Likely benign for Long QT syndrome. Last evaluated: 2024-02-05. Review status: criteria provided, single submitter. Criteria: ACMG Guidelines, 2015. Collection method: clinical testing. Allele origin: germline. Inheritance: Autosomal dominant inheritance. Observed: 8 variant alleles, 8 heterozygotes.
Comment: This study involves interpretation of variants in research participants for the purpose of population health screening. Participant phenotype was not available at the time of variant classification. Additional details can be found in publication PMID: 35346344, PMCID: PMC8962531

Color Diagnostics, LLC DBA Color Health
Classification: Likely benign for Arrhythmia. Last evaluated: 2018-12-03. Review status: criteria provided, single submitter. Criteria: ACMG Guidelines, 2015. Collection method: clinical testing. Allele origin: germline.

NM_000238.4(KCNH2):c.1668C>T (p.Thr556=)

Gene: KCNH2 (potassium voltage-gated channel subfamily H member 2; minus strand). Cytogenetic location: 7q36.1.
Variant type: single nucleotide variant.
Coding change: c.1668C>T on transcript NM_000238.4 (MANE Select); coding-DNA position 1668, C replaced by T.
Protein change: p.Thr556=; no amino-acid change (threonine 556 retained).
Molecular consequence: synonymous variant. On other transcripts: non-coding transcript variant (2).
Genome position (GRCh38, 1-based): chr7:150,951,725, G>A on the plus strand (C>T on the coding strand, the complement: KCNH2 is on the minus strand). VCF-style: chr7-150951725-G-A. GRCh37 (hg19) VCF-style: chr7-150648813-G-A.
Other names: c.648C>T, p.Thr216= (NM_001204798.2, NM_172057.3); c.1380C>T, p.Thr460= (NM_001406753.1, NM_001406756.1); c.1491C>T, p.Thr497= (NM_001406755.1); c.1368C>T, p.Thr456= (NM_001406757.1); c.1668C>T, p.Thr556= (NM_172056.3).
Identifiers: ClinVar variation 919650 (VCV000919650.15), dbSNP rs748266308, ClinGen allele CA029148.
Genomic context (GRCh38, chr7:150,951,725, plus strand): 5'-CTGCTCCATGTTGCCGATGGCGTACCAGATGCAGGCTAGCCAGTGCGCGATGAGCGCAAA[G>A]GTGCACATGAGCAAGAACAGCACGGCCGCGCCGTACTCTGAGTAGCGATCCAGCTTCCGC-3'
Protein context (NP_000229.1, residues 546-566): GAAVLFLLMC[Thr556=]FALIAHWLAC